The following is an entry in ClinVar:

NM_020822.3(KCNT1):c.1406A>C (p.His469Pro)

Gene: KCNT1 (potassium sodium-activated channel subfamily T member 1; plus strand). Cytogenetic location: 9q34.3.
Variant type: single nucleotide variant.
Coding change: c.1406A>C on transcript NM_020822.3 (MANE Select); coding-DNA position 1406, A replaced by C.
Protein change: p.His469Pro; replaces histidine 469 with proline.
Molecular consequence: missense variant.
Genome position (GRCh38, 1-based): chr9:135,768,833, A>C. VCF-style: chr9-135768833-A-C. GRCh37 (hg19) VCF-style: chr9-138660679-A-C.
Other names: c.1271A>C, p.His424Pro (NM_001272003.2); short protein forms H424P, H469P.
Identifiers: ClinVar variation 1320152 (VCV001320152.1), dbSNP rs1554774322, ClinGen allele CA375505075.

ClinVar aggregate classification (germline): Likely pathogenic (1 of 4 stars; one submission).

Conditions:
Developmental and epileptic encephalopathy, 14 (DEE14). Also called: Early infantile epileptic encephalopathy 14. Identifiers: Orphanet 293181, MedGen C3554195, MONDO:0013989, OMIM 614959.

Submission:

3billion
Classification: Likely pathogenic for Developmental and epileptic encephalopathy, 14. Last evaluated: 2021-10-02. Review status: criteria provided, single submitter. Criteria: ACMG Guidelines, 2015. Collection method: clinical testing. Allele origin: paternal. Affected: yes. Observed: 1 heterozygote.
Comment: It is not observed in the gnomAD v2.1.1 dataset (PM2). A different missense change at the same codon (p.His469Leu) has been reported as pathogenic/likely pathogenic (VCV000496671.1 PM5). Missense changes are a common disease-causing mechanism (PP2). In silico tool predictions suggest damaging effect of the variant on gene or gene product (REVEL: 0.641, 3Cnet: 0.907, PP3). Therefore, this variant is classified as likely pathogenic according to the recommendation of ACMG/AMP guideline.